The following is an entry in ClinVar:

NM_001457.4(FLNB):c.6329C>T (p.Thr2110Ile)

Gene: FLNB (filamin B; plus strand). Cytogenetic location: 3p14.3.
Variant type: single nucleotide variant.
Coding change: c.6329C>T on transcript NM_001457.4 (MANE Select); coding-DNA position 6329, C replaced by T.
Protein change: p.Thr2110Ile; replaces threonine 2110 with isoleucine.
Molecular consequence: missense variant.
Genome position (GRCh38, 1-based): chr3:58,150,189, C>T. VCF-style: chr3-58150189-C-T. GRCh37 (hg19) VCF-style: chr3-58135916-C-T.
Other names: c.6422C>T, p.Thr2141Ile (NM_001164317.2); c.6296C>T, p.Thr2099Ile (NM_001164318.2); c.6257C>T, p.Thr2086Ile (NM_001164319.2); short protein forms T2086I, T2110I, T2099I, T2141I.
Identifiers: ClinVar variation 4709042 (VCV004709042.1).

ClinVar aggregate classification (germline): Uncertain significance (1 of 4 stars; one submission).

gnomAD v4.1: 7 of 1,614,098 alleles (0.00043%); highest among the groups gnomAD compares: Non-Finnish European, 0.00059%; no homozygotes.

Submission:

Labcorp Genetics (formerly Invitae), Labcorp
Classification: Uncertain significance. Last evaluated: 2025-03-05. Review status: criteria provided, single submitter. Criteria: Invitae Variant Classification Sherloc (09022015). Collection method: clinical testing. Allele origin: germline.
Comment: This sequence change replaces threonine, which is neutral and polar, with isoleucine, which is neutral and non-polar, at codon 2110 of the FLNB protein (p.Thr2110Ile). This variant is not present in population databases (gnomAD no frequency). This variant has not been reported in the literature in individuals affected with FLNB-related conditions. Invitae Evidence Modeling of protein sequence and biophysical properties (such as structural, functional, and spatial information, amino acid conservation, physicochemical variation, residue mobility, and thermodynamic stability) indicates that this missense variant is not expected to disrupt FLNB protein function with a negative predictive value of 95%. In summary, the available evidence is currently insufficient to determine the role of this variant in disease. Therefore, it has been classified as a Variant of Uncertain Significance.